The following is an entry in ClinVar:

ClinVar aggregate classification (germline): Pathogenic. Review status: criteria provided, single submitter (1 of 4 stars). 2 submissions from 2 submitters: Pathogenic (1). 1 of the submissions does not count toward it. Last evaluated 2025-02-03.

Conditions:
Joubert syndrome. Also called: JOUBERT-BOLTSHAUSER SYNDROME; Familial aplasia of the vermis. Identifiers: Orphanet 475, MedGen C5979921, MONDO:0018772.
Meckel-Gruber syndrome. Also called: DYSENCEPHALIA SPLANCHNOCYSTICA; GRUBER SYNDROME; Dysencephalia splachnocystica. Identifiers: Orphanet 564, MedGen C0265215, MONDO:0018921.
TMEM67-related disorder. Also called: TMEM67-related condition; TMEM67-related disorders. Identifiers: MedGen CN239423.

Submissions (2):

Labcorp Genetics (formerly Invitae), Labcorp
Classification: Pathogenic for Joubert syndrome; Meckel-Gruber syndrome. Last evaluated: 2025-02-03. Review status: criteria provided, single submitter. Criteria: Invitae Variant Classification Sherloc (09022015). Collection method: clinical testing. Allele origin: germline.
Comment: This sequence change creates a premature translational stop signal (p.Met554Aspfs*2) in the TMEM67 gene. It is expected to result in an absent or disrupted protein product. Loss-of-function variants in TMEM67 are known to be pathogenic (PMID: 20232449, 23559409). This variant is present in population databases (rs776167123, gnomAD 0.003%). This variant has not been reported in the literature in individuals affected with TMEM67-related conditions. ClinVar contains an entry for this variant (Variation ID: 3355955). For these reasons, this variant has been classified as Pathogenic.

PreventionGenetics, part of Exact Sciences
Classification: Likely pathogenic for TMEM67-related condition. Last evaluated: 2024-07-24. Review status: no assertion criteria provided. Collection method: clinical testing. Allele origin: germline. Not counted in ClinVar's aggregate classification.
Comment: The TMEM67 c.1660_1661delAT variant is predicted to result in a frameshift and premature protein termination (p.Met554Aspfs*2). To our knowledge, this variant has not been reported in the literature. This variant is reported in 0.0026% of alleles in individuals of European (Non-Finnish) descent in gnomAD. Frameshift variants in TMEM67 are expected to be pathogenic. This variant is interpreted as likely pathogenic.

Literature cited by the submitters: PubMed 20232449 (cited by Labcorp Genetics (formerly Invitae), Labcorp); PubMed 23559409 (cited by Labcorp Genetics (formerly Invitae), Labcorp).

NM_153704.6(TMEM67):c.1660_1661del (p.Met554fs)

Gene: TMEM67 (transmembrane protein 67; plus strand). Cytogenetic location: 8q22.1.
Variant type: Deletion.
Coding change: c.1660_1661del on transcript NM_153704.6 (MANE Select); coding-DNA positions 1660 to 1661, 2 bases deleted (AT; older notation c.1660_1661delAT).
Protein change: p.Met554fs; shifts the reading frame from methionine 554.
Molecular consequence: frameshift variant. On other transcripts: non-coding transcript variant (1).
Genome position (GRCh38, 1-based): chr8:93,793,282-93,793,283, AT deleted. VCF-style (leftmost placement, unchanged base first): chr8-93793281-CAT-C. GRCh37 (hg19) VCF-style: chr8-94805509-CAT-C.
Other names: c.1417_1418del, p.Met473fs (NM_001142301.1); short protein forms M473fs, M554fs.
Identifiers: ClinVar variation 3355955 (VCV003355955.3).